The following is an entry in ClinVar:

ClinVar aggregate classification (germline): Uncertain significance. Review status: criteria provided, multiple submitters, no conflicts (2 of 4 stars). 2 submissions from 2 submitters: Uncertain significance (2). Last evaluated 2024-10-28.

Conditions:
Inborn genetic diseases. Identifiers: MedGen C0950123, MeSH D030342.

Allele frequency attached by ClinVar (database versions not stated): ESP Exome Variant Server 0.00008.
gnomAD v4.1: 22 of 1,613,976 alleles (0.0014%); highest among the groups gnomAD compares: Non-Finnish European, 0.0017%; no homozygotes.

Submissions (2):

Ambry Genetics
Classification: Uncertain significance for Inborn genetic diseases. Last evaluated: 2024-10-28. Review status: criteria provided, single submitter. Criteria: Ambry Variant Classification Scheme 2023. Collection method: clinical testing. Allele origin: germline.

Labcorp Genetics (formerly Invitae), Labcorp
Classification: Uncertain significance. Last evaluated: 2023-10-29. Review status: criteria provided, single submitter. Criteria: Invitae Variant Classification Sherloc (09022015). Collection method: clinical testing. Allele origin: germline.
Comment: This sequence change replaces threonine, which is neutral and polar, with lysine, which is basic and polar, at codon 331 of the THPO protein (p.Thr331Lys). This variant is present in population databases (rs372984771, gnomAD 0.003%). This variant has not been reported in the literature in individuals affected with THPO-related conditions. An algorithm developed to predict the effect of missense changes on protein structure and function (PolyPhen-2) suggests that this variant is likely to be tolerated. In summary, the available evidence is currently insufficient to determine the role of this variant in disease. Therefore, it has been classified as a Variant of Uncertain Significance.

NM_000460.4(THPO):c.992C>A (p.Thr331Lys)

Gene: THPO (thrombopoietin; minus strand). Cytogenetic location: 3q27.1.
Variant type: single nucleotide variant.
Coding change: c.992C>A on transcript NM_000460.4 (MANE Select); coding-DNA position 992, C replaced by A.
Protein change: p.Thr331Lys; replaces threonine 331 with lysine.
Molecular consequence: missense variant. On other transcripts: 3 prime UTR variant (4).
Genome position (GRCh38, 1-based): chr3:184,372,583, G>T on the plus strand (C>A on the coding strand, the complement: THPO is on the minus strand). VCF-style: chr3-184372583-G-T. GRCh37 (hg19) VCF-style: chr3-184090371-G-T.
Other names: c.992C>A (NM_000460.2); c.980C>A, p.Thr327Lys (NM_001177597.2, NM_001290022.1); c.*15C>A (NM_001177598.2, NM_001289997.1, NM_001290026.1 and 1 more transcripts); c.992C>A, p.Thr331Lys (NM_001289998.1, NM_001290028.1); c.1412C>A, p.Thr471Lys (NM_001290003.1); short protein forms T331K, T327K, T471K.
Identifiers: ClinVar variation 2740189 (VCV002740189.4), dbSNP rs372984771, ClinGen allele CA2734819.